The following is an entry in ClinVar:

ClinVar aggregate classification (germline): Conflicting classifications of pathogenicity. Review status: criteria provided, conflicting classifications (1 of 4 stars). 5 submissions from 5 submitters: Uncertain significance (4); Likely benign (1). Last evaluated 2025-05-30.

Conditions:
Cardiomyopathy (CMYO). Also called: Cardiomyopathies. Identifiers: Orphanet 167848, MedGen C0878544, MONDO:0004994, HP:0001638. Inheritance: Various modes of inheritance.
Hypertrophic cardiomyopathy. Also called: HYPERTROPHIC MYOCARDIOPATHY. Identifiers: Orphanet 217569, MedGen C0007194, MeSH D002312, MONDO:0005045, HP:0001639.
Cardiovascular phenotype. Identifiers: MedGen CN230736.

Allele frequency attached by ClinVar (database versions not stated): gnomAD exomes below 0.00001; TOPMed below 0.00001.

Submissions (5):

GeneDx
Classification: Uncertain significance. Last evaluated: 2025-05-30. Review status: criteria provided, single submitter. Criteria: GeneDx Variant Classification Process June 2021. Collection method: clinical testing. Allele origin: germline. Affected: yes.
Comment: Not observed at significant frequency in large population cohorts (gnomAD); In silico analysis suggests that this missense variant does not alter protein structure/function; Has not been previously published as pathogenic or benign to our knowledge

All of Us Research Program, National Institutes of Health
Classification: Uncertain significance for Hypertrophic cardiomyopathy. Last evaluated: 2024-08-30. Review status: criteria provided, single submitter. Criteria: ACMG Guidelines, 2015. Collection method: clinical testing. Allele origin: germline. Inheritance: Autosomal dominant inheritance. Observed: 4 variant alleles, 4 heterozygotes.
Comment: This missense variant replaces glutamic acid with aspartic acid at codon 70 of the MYBPC3 protein. Computational prediction suggests that this variant may not impact protein structure and function (internally defined REVEL score threshold <= 0.5, PMID: 27666373). To our knowledge, functional studies have not been reported for this variant. This variant has not been reported in individuals affected with MYBPC3-related disorders in the literature. This variant has been identified in 1/209794 chromosomes in the general population by the Genome Aggregation Database (gnomAD). The available evidence is insufficient to determine the role of this variant in disease conclusively. Therefore, this variant is classified as a Variant of Uncertain Significance.

This study involves interpretation of variants in research participants for the purpose of population health screening. Participant phenotype was not available at the time of variant classification. Additional details can be found in publication PMID: 35346344, PMCID: PMC8962531

Labcorp Genetics (formerly Invitae), Labcorp
Classification: Uncertain significance for Hypertrophic cardiomyopathy. Last evaluated: 2024-08-15. Review status: criteria provided, single submitter. Criteria: Invitae Variant Classification Sherloc (09022015). Collection method: clinical testing. Allele origin: germline.
Comment: This sequence change replaces glutamic acid, which is acidic and polar, with aspartic acid, which is acidic and polar, at codon 70 of the MYBPC3 protein (p.Glu70Asp). This variant is present in population databases (no rsID available, gnomAD 0.003%). This variant has not been reported in the literature in individuals affected with MYBPC3-related conditions. ClinVar contains an entry for this variant (Variation ID: 834884). An algorithm developed to predict the effect of missense changes on protein structure and function outputs the following: PolyPhen-2: "Benign". The aspartic acid amino acid residue is found in multiple mammalian species, which suggests that this missense change does not adversely affect protein function. In summary, the available evidence is currently insufficient to determine the role of this variant in disease. Therefore, it has been classified as a Variant of Uncertain Significance.

Color Diagnostics, LLC DBA Color Health
Classification: Uncertain significance for Cardiomyopathy. Last evaluated: 2024-04-12. Review status: criteria provided, single submitter. Criteria: ACMG Guidelines, 2015. Collection method: clinical testing. Allele origin: germline.
Comment: This missense variant replaces glutamic acid with aspartic acid at codon 70 of the MYBPC3 protein. Computational prediction tools indicate that this variant has a neutral impact on protein structure and function. To our knowledge, functional studies have not been reported for this variant. This variant has not been reported in individuals affected with MYBPC3-related disorders in the literature. This variant has been identified in 1/209794 chromosomes in the general population by the Genome Aggregation Database (gnomAD). The available evidence is insufficient to determine the role of this variant in disease conclusively. Therefore, this variant is classified as a Variant of Uncertain Significance.

Ambry Genetics
Classification: Likely benign for Cardiovascular phenotype. Last evaluated: 2022-05-06. Review status: criteria provided, single submitter. Criteria: Ambry Variant Classification Scheme 2023. Collection method: clinical testing. Allele origin: germline.

NM_000256.3(MYBPC3):c.210A>C (p.Glu70Asp)

Gene: MYBPC3 (myosin binding protein C3; minus strand). Cytogenetic location: 11p11.2.
Variant type: single nucleotide variant.
Coding change: c.210A>C on transcript NM_000256.3 (MANE Select); coding-DNA position 210, A replaced by C.
Protein change: p.Glu70Asp; replaces glutamic acid 70 with aspartic acid.
Molecular consequence: missense variant.
Genome position (GRCh38, 1-based): chr11:47,351,321, T>G on the plus strand (A>C on the coding strand, the complement: MYBPC3 is on the minus strand). VCF-style: chr11-47351321-T-G. GRCh37 (hg19) VCF-style: chr11-47372872-T-G.
Other names: short protein forms E70D.
Identifiers: ClinVar variation 834884 (VCV000834884.14), dbSNP rs1225434780, ClinGen allele CA380341711.
Genomic context (GRCh38, chr11:47,351,321, plus strand): 5'-GAACTTGACCTTGGAGGAGCCAGCAATGACTGCGTAAGATCCCTGGTCGGCAGGGCCCAC[T>G]TCCCGCACTGTCAGCGTATGCCGTGTGCCCTCTGTGGCCAGGCCGTACTTGTTGCTGGCG-3'
Protein context (NP_000247.2, residues 60-80): EGTRHTLTVR[Glu70Asp]VGPADQGSYA